The following is an entry in ClinVar:

NM_020338.4(ZMIZ1):c.270G>A (p.Pro90=)

Gene: ZMIZ1 (zinc finger MIZ-type containing 1; plus strand). Cytogenetic location: 10q22.3.
Variant type: single nucleotide variant.
Coding change: c.270G>A on transcript NM_020338.4 (MANE Select); coding-DNA position 270, G replaced by A.
Protein change: p.Pro90=; no amino-acid change (proline 90 retained).
Molecular consequence: synonymous variant.
Genome position (GRCh38, 1-based): chr10:79,216,264, G>A. VCF-style: chr10-79216264-G-A. GRCh37 (hg19) VCF-style: chr10-80976021-G-A.
Identifiers: ClinVar variation 2738457 (VCV002738457.4), dbSNP rs368416414, ClinGen allele CA5572239.
Genomic context (GRCh38, chr10:79,216,264, plus strand): 5'-CCTGGACCTCGGCTACAGACTGCTGGCTGTGTGTGCTGCAAACCGAGACAAGTTCACCCC[G>A]AAGTCTGCCGGTAGGTGTCCGTGGGGGACTCTGCGATGTCACTGGGAGGTGGGGAGGGGA-3'
Protein context (NP_065071.1, residues 80-100): VCAANRDKFT[Pro90=]KSAALLSSWC

ClinVar aggregate classification (germline): Likely benign. Review status: criteria provided, multiple submitters, no conflicts (2 of 4 stars). 2 submissions from 2 submitters: Likely benign (2). Last evaluated 2026-09-01.

Allele frequency attached by ClinVar (database versions not stated): ExAC 0.00005; ESP Exome Variant Server 0.00008; gnomAD 0.00011; TOPMed 0.00013.
gnomAD v4.1: 57 of 1,590,182 alleles (0.0036%); highest among the groups gnomAD compares: African/African-American, 0.038%; no homozygotes.

Submissions (2):

CeGaT Center for Human Genetics Tuebingen
Classification: Likely benign. Last evaluated: 2026-09-01. Review status: criteria provided, single submitter. Criteria: CeGaT Center For Human Genetics Tuebingen Variant Classification Criteria Version 2. Collection method: clinical testing. Allele origin: germline. Affected: yes. Observed: 1 variant allele.
Comment: ZMIZ1: BP4, BP7

Labcorp Genetics (formerly Invitae), Labcorp
Classification: Likely benign. Last evaluated: 2025-08-20. Review status: criteria provided, single submitter. Criteria: Invitae Variant Classification Sherloc (09022015). Collection method: clinical testing. Allele origin: germline.